The following is an entry in ClinVar:

NM_000350.3(ABCA4):c.1015T>G (p.Trp339Gly)

Gene: ABCA4 (ATP binding cassette subfamily A member 4; minus strand). Cytogenetic location: 1p22.1.
Variant type: single nucleotide variant.
Coding change: c.1015T>G on transcript NM_000350.3 (MANE Select); coding-DNA position 1015, T replaced by G.
Protein change: p.Trp339Gly; replaces tryptophan 339 with glycine.
Molecular consequence: missense variant.
Genome position (GRCh38, 1-based): chr1:94,080,562, A>C on the plus strand (T>G on the coding strand, the complement: ABCA4 is on the minus strand). VCF-style: chr1-94080562-A-C. GRCh37 (hg19) VCF-style: chr1-94546118-A-C.
Other names: c.1015T>G, p.Trp339Gly (NM_001425324.1); short protein forms W339G.
Identifiers: ClinVar variation 99025 (VCV000099025.18), dbSNP rs61751420, ClinGen allele CA226859.

ClinVar aggregate classification (germline): Conflicting classifications of pathogenicity. Review status: criteria provided, conflicting classifications (1 of 4 stars). 6 submissions from 6 submitters: Pathogenic (4); Uncertain significance (1). 1 of the submissions does not count toward it. Last evaluated 2026-08-30.

Conditions:
ABCA4-related disorder. Also called: ABCA4-related condition; ABCA4-related disorders. Identifiers: MedGen CN239167.

Allele frequency attached by ClinVar (database versions not stated): gnomAD exomes below 0.00001 and 0.00001.
gnomAD v4.1: 7 of 1,614,130 alleles (0.00043%); highest among the groups gnomAD compares: Non-Finnish European, 0.00059%; no homozygotes.

Submissions (6):

PreventionGenetics, part of Exact Sciences
Classification: Pathogenic for ABCA4-related condition. Last evaluated: 2026-08-30. Review status: criteria provided, single submitter. Criteria: ACMG Guidelines, 2015. Collection method: clinical testing. Allele origin: germline.
Comment: The ABCA4 c.1015T>G variant is predicted to result in the amino acid substitution p.Trp339Gly. This variant has been reported in multiple individuals with Stargardt disease or ABCA4-related retinal disease (for examples, see supplement 4, Stone et al. 2017. PubMed ID: 28559085; supplemental table 8, Khan et al. 2020. PubMed ID: 32307445; table S1, Lin et al. 2024. PubMed ID: 38219857). An alternate amino acid change at this position (c.1016G>T, p.Trp339Leu) has also been reported in individuals with ABCA4-related retinal disease (Supplemental table 8, Khan et al. 2020. PubMed ID: 32307445). This variant is reported in 0.0018% of alleles in individuals of European (Non-Finnish) descent in gnomAD. This variant is interpreted as pathogenic.

Labcorp Genetics (formerly Invitae), Labcorp
Classification: Pathogenic. Last evaluated: 2026-01-21. Review status: criteria provided, single submitter. Criteria: Invitae Variant Classification Sherloc (09022015). Collection method: clinical testing. Allele origin: germline.
Comment: This sequence change replaces tryptophan, which is neutral and slightly polar, with glycine, which is neutral and non-polar, at codon 339 of the ABCA4 protein (p.Trp339Gly). This variant is present in population databases (rs61751420, gnomAD 0.002%). This missense change has been observed in individual(s) with Stargardt disease (PMID: 11379881, 28559085). In at least one individual the data is consistent with being in trans (on the opposite chromosome) from a pathogenic variant. It has also been observed to segregate with disease in related individuals. ClinVar contains an entry for this variant (Variation ID: 99025). Invitae Evidence Modeling of protein sequence and biophysical properties (such as structural, functional, and spatial information, amino acid conservation, physicochemical variation, residue mobility, and thermodynamic stability) indicates that this missense variant is expected to disrupt ABCA4 protein function with a positive predictive value of 95%. For these reasons, this variant has been classified as Pathogenic.

GeneDx
Classification: Pathogenic. Last evaluated: 2023-07-03. Review status: criteria provided, single submitter. Criteria: GeneDx Variant Classification Process June 2021. Collection method: clinical testing. Allele origin: germline. Affected: yes.
Comment: Published functional studies demonstrate a damaging effect (Scortecci et al., 2021); In silico analysis supports that this missense variant has a deleterious effect on protein structure/function; Not observed at significant frequency in large population cohorts (gnomAD); This variant is associated with the following publications: (PMID: 25066811, 28559085, 11379881, 29925512, 34945039, 36931393, 34954332, 34874912, 34625547)

Blueprint Genetics
Classification: Pathogenic for ABCA4-related disorders. Last evaluated: 2022-11-07. Review status: criteria provided, single submitter. Criteria: ACMG Guidelines, 2015. Collection method: clinical testing. Allele origin: germline. Affected: yes. Observed: 5 variant alleles.

Eurofins Ntd Llc (ga)
Classification: Uncertain significance. Last evaluated: 2017-03-29. Review status: criteria provided, single submitter. Criteria: EGL Classification Definitions 2015. Collection method: clinical testing. Allele origin: germline. Observed: 1 variant allele, 1 heterozygote.

Retina International
No classification provided. Review status: no classification provided. Collection method: not provided. Allele origin: not provided. Not counted in ClinVar's aggregate classification.

Literature cited by the submitters: PubMed 11379881 (cited by Labcorp Genetics (formerly Invitae), Labcorp); PubMed 28559085 (cited by Labcorp Genetics (formerly Invitae), Labcorp).